The following is an entry in ClinVar:

ClinVar aggregate classification (germline): Pathogenic (1 of 4 stars; one submission).

Conditions:
Legius syndrome. Identifiers: Orphanet 137605, MedGen C1969623, MONDO:0012669, OMIM 611431. Disease mechanism: loss of function.

Submission:

Labcorp Genetics (formerly Invitae), Labcorp
Classification: Pathogenic for Legius syndrome. Last evaluated: 2026-01-18. Review status: criteria provided, single submitter. Criteria: Invitae Variant Classification Sherloc (09022015). Collection method: clinical testing. Allele origin: germline.
Comment: This sequence change creates a premature translational stop signal (p.Asp108Metfs*13) in the SPRED1 gene. It is expected to result in an absent or disrupted protein product. Loss-of-function variants in SPRED1 are known to be pathogenic (PMID: 17704776). This variant is not present in population databases (gnomAD no frequency). This variant has not been reported in the literature in individuals affected with SPRED1-related conditions. For these reasons, this variant has been classified as Pathogenic.

Literature cited by the submitters: PubMed 17704776.

NM_152594.3(SPRED1):c.321del (p.Asp108fs)

Gene: SPRED1 (sprouty related EVH1 domain containing 1; plus strand). Cytogenetic location: 15q14.
Variant type: Deletion.
Coding change: c.321del on transcript NM_152594.3 (MANE Select); coding-DNA position 321, one base deleted (T; older notation c.321delT).
Protein change: p.Asp108fs; shifts the reading frame from aspartic acid 108.
Molecular consequence: frameshift variant.
Genome position (GRCh38, 1-based): chr15:38,322,354, T deleted. VCF-style (leftmost placement, unchanged base first): chr15-38322353-CT-C. GRCh37 (hg19) VCF-style: chr15-38614554-CT-C.
Other names: short protein forms D108fs.
Identifiers: ClinVar variation 4735627 (VCV004735627.1).
Genomic context (GRCh38, chr15:38,322,353, plus strand): 5'-CAACATTTCACCACTGGAAGATTGATGACAAGAAGTTTGGTCTTACGTTTCAAAGTCCTG[CT>C]GATGCTAGGGCTTTTGATAGAGGTATCCGAAGAGCTATAGAGGATATTTCTCAAGGTAGG-3'